The following is an entry in ClinVar:

NM_001366385.1(CARD14):c.1192G>A (p.Glu398Lys)

Gene: CARD14 (caspase recruitment domain family member 14; plus strand). Cytogenetic location: 17q25.3.
Variant type: single nucleotide variant.
Coding change: c.1192G>A on transcript NM_001366385.1 (MANE Select); coding-DNA position 1192, G replaced by A.
Protein change: p.Glu398Lys; replaces glutamic acid 398 with lysine.
Molecular consequence: missense variant. On other transcripts: non-coding transcript variant (1).
Genome position (GRCh38, 1-based): chr17:80,191,425, G>A. VCF-style: chr17-80191425-G-A. GRCh37 (hg19) VCF-style: chr17-78165224-G-A.
Other names: c.1192G>A, p.Glu398Lys (NM_001257970.1, NM_024110.4); c.481G>A, p.Glu161Lys (NM_052819.3); short protein forms E161K, E398K.
Identifiers: ClinVar variation 642394 (VCV000642394.9), dbSNP rs139740020, ClinGen allele CA8816703.

ClinVar aggregate classification (germline): Uncertain significance (1 of 4 stars; one submission).

Conditions:
Pityriasis rubra pilaris (PRP). Also called: Pityriasis rubra pilaris--familial type. Identifiers: Orphanet 2897, MedGen C0032027, MONDO:0100017, OMIM 173200, MONDO:0008251.
Psoriasis 2. Identifiers: MedGen C1864497, MONDO:0011269, OMIM 602723.

Allele frequency attached by ClinVar (database versions not stated): TOPMed 0.00002.
gnomAD v4.1: 9 of 1,613,614 alleles (0.00056%); highest among the groups gnomAD compares: East Asian, 0.0045%; no homozygotes.

Submission:

Labcorp Genetics (formerly Invitae), Labcorp
Classification: Uncertain significance for Pityriasis rubra pilaris; Psoriasis 2. Last evaluated: 2023-10-25. Review status: criteria provided, single submitter. Criteria: Invitae Variant Classification Sherloc (09022015). Collection method: clinical testing. Allele origin: germline.
Comment: This sequence change replaces glutamic acid, which is acidic and polar, with lysine, which is basic and polar, at codon 398 of the CARD14 protein (p.Glu398Lys). This variant is present in population databases (rs139740020, gnomAD 0.005%). This variant has not been reported in the literature in individuals affected with CARD14-related conditions. ClinVar contains an entry for this variant (Variation ID: 642394). Advanced modeling of protein sequence and biophysical properties (such as structural, functional, and spatial information, amino acid conservation, physicochemical variation, residue mobility, and thermodynamic stability) performed at Invitae indicates that this missense variant is not expected to disrupt CARD14 protein function with a negative predictive value of 80%. In summary, the available evidence is currently insufficient to determine the role of this variant in disease. Therefore, it has been classified as a Variant of Uncertain Significance.